The following is an entry in ClinVar:

ClinVar aggregate classification (germline): Conflicting classifications of pathogenicity. Review status: criteria provided, conflicting classifications (1 of 4 stars). 3 submissions from 3 submitters: Uncertain significance (1); Likely benign (2). Last evaluated 2025-12-24.

Conditions:
Primary ciliary dyskinesia. Also called: Ciliary dyskinesia. Identifiers: Orphanet 244, MedGen C0008780, MONDO:0016575, HP:0012265.

Allele frequency attached by ClinVar (database versions not stated): gnomAD exomes 0.00004 and 0.00007; ExAC 0.00007; ESP Exome Variant Server 0.00015; gnomAD 0.00017 and 0.00019; TOPMed 0.00019.
gnomAD v4.1: 85 of 1,613,756 alleles (0.0053%); highest among the groups gnomAD compares: African/African-American, 0.049%; no homozygotes.

Submissions (3):

Labcorp Genetics (formerly Invitae), Labcorp
Classification: Likely benign for Primary ciliary dyskinesia. Last evaluated: 2025-12-24. Review status: criteria provided, single submitter. Criteria: Invitae Variant Classification Sherloc (09022015). Collection method: clinical testing. Allele origin: germline.

Greenwood Genetic Center Diagnostic Laboratories, Greenwood Genetic Center
Classification: Uncertain significance. Last evaluated: 2025-02-26. Review status: criteria provided, single submitter. Criteria: ACMG Guidelines, 2015. Collection method: clinical testing. Allele origin: germline.
Comment: BP4

Ambry Genetics
Classification: Likely benign for Primary ciliary dyskinesia. Last evaluated: 2016-10-28. Review status: criteria provided, single submitter. Criteria: Ambry Variant Classification Scheme 2023. Collection method: clinical testing. Allele origin: germline.

NM_001369.3(DNAH5):c.12375G>A (p.Ala4125=)

Gene: DNAH5 (dynein axonemal heavy chain 5; minus strand). Cytogenetic location: 5p15.2.
Variant type: single nucleotide variant.
Coding change: c.12375G>A on transcript NM_001369.3 (MANE Select); coding-DNA position 12375, G replaced by A.
Protein change: p.Ala4125=; no amino-acid change (alanine 4125 retained).
Molecular consequence: synonymous variant.
Genome position (GRCh38, 1-based): chr5:13,719,006, C>T on the plus strand (G>A on the coding strand, the complement: DNAH5 is on the minus strand). VCF-style: chr5-13719006-C-T. GRCh37 (hg19) VCF-style: chr5-13719115-C-T.
Identifiers: ClinVar variation 238958 (VCV000238958.15), dbSNP rs140284455, ClinGen allele CA3201659.
Genomic context (GRCh38, chr5:13,719,006, plus strand): 5'-CATCTGAAGGAGTGTAATGGGAAACTGCTTATGAGCCTCGGTGGTCATCCAGAGGCGGAA[C>T]GCATCATGTACAAGCTCAGTTTCTATGATTATGTCCATCAGCTCATCCATGAAATCAAGT-3'
Protein context (NP_001360.1, residues 4115-4135): IIIETELVHD[Ala4125=]FRLWMTTEAH